The following is an entry in ClinVar:

ClinVar aggregate classification (germline): Uncertain significance. Review status: criteria provided, multiple submitters, no conflicts (2 of 4 stars). 2 submissions from 2 submitters: Uncertain significance (2). Last evaluated 2025-09-25.

Conditions:
Inborn genetic diseases. Identifiers: MedGen C0950123, MeSH D030342.

Allele frequency attached by ClinVar (database versions not stated): gnomAD 0.00021; 1000 Genomes Project 30x 0.00062; ExAC 0.00007; 1000 Genomes Project 0.00060; gnomAD exomes 0.00002; TOPMed 0.00018; ESP Exome Variant Server 0.00031.
gnomAD v4.1: 64 of 1,614,184 alleles (0.004%); highest among the groups gnomAD compares: African/African-American, 0.065%; no homozygotes.

Submissions (2):

Ambry Genetics
Classification: Uncertain significance for Inborn genetic diseases. Last evaluated: 2025-09-25. Review status: criteria provided, single submitter. Criteria: Ambry Variant Classification Scheme 2023. Collection method: clinical testing. Allele origin: germline.

Labcorp Genetics (formerly Invitae), Labcorp
Classification: Uncertain significance. Last evaluated: 2022-08-09. Review status: criteria provided, single submitter. Criteria: Invitae Variant Classification Sherloc (09022015). Collection method: clinical testing. Allele origin: germline.
Comment: This sequence change replaces isoleucine, which is neutral and non-polar, with threonine, which is neutral and polar, at codon 127 of the TRMT5 protein (p.Ile127Thr). This variant is present in population databases (rs144547308, gnomAD 0.07%). This variant has not been reported in the literature in individuals affected with TRMT5-related conditions. Algorithms developed to predict the effect of missense changes on protein structure and function are either unavailable or do not agree on the potential impact of this missense change (SIFT: "Deleterious"; PolyPhen-2: "Benign"; Align-GVGD: "Class C25"). In summary, the available evidence is currently insufficient to determine the role of this variant in disease. Therefore, it has been classified as a Variant of Uncertain Significance.

NM_020810.3(TRMT5):c.380T>C (p.Ile127Thr)

Gene: TRMT5 (tRNA methyltransferase 5; minus strand). Cytogenetic location: 14q23.1.
Variant type: single nucleotide variant.
Coding change: c.380T>C on transcript NM_020810.3 (MANE Select); coding-DNA position 380, T replaced by C.
Protein change: p.Ile127Thr; replaces isoleucine 127 with threonine.
Molecular consequence: missense variant.
Genome position (GRCh38, 1-based): chr14:60,979,518, A>G on the plus strand (T>C on the coding strand, the complement: TRMT5 is on the minus strand). VCF-style: chr14-60979518-A-G. GRCh37 (hg19) VCF-style: chr14-61446236-A-G.
Other names: c.380T>C (NM_020810.2); c.464T>C, p.Ile155Thr (NM_001350253.1); c.461T>C, p.Ile154Thr (NM_001350254.1); short protein forms I127T, I154T, I155T.
Identifiers: ClinVar variation 1946160 (VCV001946160.3), dbSNP rs144547308, ClinGen allele CA7213935.